The following is an entry in ClinVar:

NM_000512.5(GALNS):c.318C>T (p.Asn106=)

Gene: GALNS (galactosamine (N-acetyl)-6-sulfatase; minus strand). Cytogenetic location: 16q24.3.
Variant type: single nucleotide variant.
Coding change: c.318C>T on transcript NM_000512.5 (MANE Select); coding-DNA position 318, C replaced by T.
Protein change: p.Asn106=; no amino-acid change (asparagine 106 retained).
Molecular consequence: synonymous variant. On other transcripts: 5 prime UTR variant (1).
Genome position (GRCh38, 1-based): chr16:88,841,898, G>A on the plus strand (C>T on the coding strand, the complement: GALNS is on the minus strand). VCF-style: chr16-88841898-G-A. GRCh37 (hg19) VCF-style: chr16-88908306-G-A.
Other names: c.-238C>T (NM_001323543.2); c.336C>T, p.Asn112= (NM_001323544.2).
Identifiers: ClinVar variation 256333 (VCV000256333.26), dbSNP rs34278797, ClinGen allele CA8235215.
Genomic context (GRCh38, chr16:88,841,898, plus strand): 5'-TAGCCCACCTGCCCAACCCTGCACCCCAAGGGTGTCCCTGGAGGCGGTGGGCAGCCTACC[G>A]TTTCTGGCATGGGCGTTGGTGGTGTAGAAGCCATTGCGGATGGGTAGCCGTCCTGTGAGC-3'
Protein context (NP_000503.1, residues 96-116): GFYTTNAHAR[Asn106=]AYTPQEIVGG

ClinVar aggregate classification (germline): Benign. Review status: criteria provided, multiple submitters, no conflicts (2 of 4 stars). 9 submissions from 9 submitters: Benign (8). 1 of the submissions does not count toward it. Last evaluated 2026-02-04.

Conditions:
Mucopolysaccharidosis, MPS-IV-A (MPS4A). Also called: Mucopolysaccharidosis type IV A; Mucopolysaccharidosis Type IVA; GALACTOSAMINE-6-SULFATASE DEFICIENCY; GALNS DEFICIENCY; MORQUIO A DISEASE; mucopolysaccharidosis type 4A. Identifiers: Orphanet 309297, Orphanet 582, MedGen C0086651, MONDO:0009659, OMIM 253000.

Allele frequency attached by ClinVar (database versions not stated): 1000 Genomes Project 0.01158; 1000 Genomes Project 30x 0.01343; gnomAD 0.01971 and 0.01935; ExAC 0.02177; ESP Exome Variant Server 0.02248; gnomAD exomes 0.02379 and 0.01844; TOPMed 0.01896.
gnomAD v4.1: 37,580 of 1,612,518 alleles (2.3%); highest among the groups gnomAD compares: Non-Finnish European, 2.8%; 477 homozygotes.

Submissions (9):

Labcorp Genetics (formerly Invitae), Labcorp
Classification: Benign for Mucopolysaccharidosis, MPS-IV-A. Last evaluated: 2026-02-04. Review status: criteria provided, single submitter. Criteria: Invitae Variant Classification Sherloc (09022015). Collection method: clinical testing. Allele origin: germline.

Genome-Nilou Lab
Classification: Benign for Mucopolysaccharidosis, MPS-IV-A. Last evaluated: 2021-11-07. Review status: criteria provided, single submitter. Criteria: ACMG Guidelines, 2015. Collection method: clinical testing. Allele origin: germline. Affected: no.

Women's Health and Genetics/Laboratory Corporation of America, LabCorp
Classification: Benign. Last evaluated: 2019-11-15. Review status: criteria provided, single submitter. Criteria: LabCorp Variant Classification Summary - May 2015. Collection method: clinical testing. Allele origin: germline.
Comment: Variant summary: GALNS c.318C>T (p.Asn106Asn) alters a nucleotide located close to a canonical splice site and therefore could affect mRNA splicing, leading to a significantly altered protein sequence. 5/5 computational tools predict no significant impact on normal splicing. However, these predictions have yet to be confirmed by functional studies. The variant allele was found at a frequency of 0.018 in 245878 control chromosomes in the gnomAD database, including 68 homozygotes. The observed variant frequency is approximately 9 fold of the estimated maximal expected allele frequency for a pathogenic variant in GALNS causing Mucopolysaccharidosis Type IVA (Morquio Syndrome A) phenotype (0.002), strongly suggesting that the variant is benign. To our knowledge, no occurrence of c.318C>T in individuals affected with Mucopolysaccharidosis Type IVA (Morquio Syndrome A) and no experimental evidence demonstrating its impact on protein function have been reported. Three clinical diagnostic laboratories have submitted clinical-significance assessments for this variant to ClinVar after 2014 without evidence for independent evaluation (2x Benign, 1x VUS). Based on the evidence outlined above, the variant was classified as benign.

GeneDx
Classification: Benign. Last evaluated: 2019-06-03. Review status: criteria provided, single submitter. Criteria: GeneDx Variant Classification Process June 2021. Collection method: clinical testing. Allele origin: germline. Affected: yes.
Comment: This variant is associated with the following publications: (PMID: 9298823, 22521955)

Illumina Laboratory Services, Illumina
Classification: Benign for Mucopolysaccharidosis, MPS-IV-A. Last evaluated: 2018-01-13. Review status: criteria provided, single submitter. Criteria: ICSL Variant Classification Criteria 13 December 2019. Collection method: clinical testing. Allele origin: germline.
Comment: This variant was observed in the ICSL laboratory as part of a predisposition screen in an ostensibly healthy population. It had not been previously curated by ICSL or reported in the Human Gene Mutation Database (HGMD: prior to June 1st, 2018), and was therefore a candidate for classification through an automated scoring system. Utilizing variant allele frequency, disease prevalence and penetrance estimates, and inheritance mode, an automated score was calculated to assess if this variant is too frequent to cause the disease. Based on the score and internal cut-off values, a variant classified as benign is not then subjected to further curation. The score for this variant resulted in a classification of benign for this disease.

Eurofins Ntd Llc (ga)
Classification: Benign. Last evaluated: 2017-11-06. Review status: criteria provided, single submitter. Criteria: EGL Classification Definitions 2015. Collection method: clinical testing. Allele origin: germline. Observed: 4 variant alleles, 3 heterozygotes, 1 homozygote.

Breakthrough Genomics
Classification: Benign. Review status: criteria provided, single submitter. Criteria: ACMG Guidelines, 2015. Collection method: not provided. Allele origin: germline. Inheritance: Autosomal recessive inheritance. Affected: yes.

PreventionGenetics, part of Exact Sciences
Classification: Benign. Review status: criteria provided, single submitter. Criteria: ACMG Guidelines, 2015. Collection method: clinical testing. Allele origin: germline.

Mayo Clinic Laboratories, Mayo Clinic
Classification: Benign. Last evaluated: 2017-06-21. Review status: no assertion criteria provided. Collection method: clinical testing. Allele origin: unknown. Not counted in ClinVar's aggregate classification.